The following is an entry in ClinVar:

NM_004655.4(AXIN2):c.1656C>T (p.Tyr552=)

Gene: AXIN2 (axin 2; minus strand). Cytogenetic location: 17q24.1.
Variant type: single nucleotide variant.
Coding change: c.1656C>T on transcript NM_004655.4 (MANE Select); coding-DNA position 1656, C replaced by T.
Protein change: p.Tyr552=; no amino-acid change (tyrosine 552 retained).
Molecular consequence: synonymous variant.
Genome position (GRCh38, 1-based): chr17:65,537,380, G>A on the plus strand (C>T on the coding strand, the complement: AXIN2 is on the minus strand). VCF-style: chr17-65537380-G-A. GRCh37 (hg19) VCF-style: chr17-63533498-G-A.
Other names: c.1656C>T, p.Tyr552= (NM_001363813.1).
Identifiers: ClinVar variation 1089523 (VCV001089523.12), dbSNP rs1878615100, ClinGen allele CA501691113.
Genomic context (GRCh38, chr17:65,537,380, plus strand): 5'-TTACCCAAACTGCTCGCTGGGCATGGTTTCCGGAGCCTTGGAGTGGCTTTTGCATTTCGA[G>A]TAGCAGTAATACTCGCTGCCCCCAGGGCAGAAGCAGTGCACCCGCTGCGTGGCCTCCGCC-3'
Protein context (NP_004646.3, residues 542-562): FCPGGSEYYC[Tyr552=]SKCKSHSKAP

ClinVar aggregate classification (germline): Benign/Likely benign. Review status: criteria provided, multiple submitters, no conflicts (2 of 4 stars). 3 submissions from 3 submitters: Benign (1); Likely benign (2). Last evaluated 2025-08-04.

Conditions:
Hereditary cancer-predisposing syndrome. Also called: Hereditary Cancer Syndrome; Neoplastic Syndromes, Hereditary; Hereditary neoplastic syndrome; Tumor predisposition. Identifiers: Orphanet 140162, MedGen C0027672, MeSH D009386, MONDO:0015356.
Oligodontia-cancer predisposition syndrome. Also called: TOOTH AGENESIS-COLORECTAL CANCER SYNDROME. Identifiers: Orphanet 300576, MedGen C1837750, MONDO:0012075, OMIM 608615. Disease mechanism: loss of function.

Allele frequency attached by ClinVar (database versions not stated): TOPMed below 0.00001; gnomAD exomes 0.00001.
gnomAD v4.1: 12 of 1,614,116 alleles (0.00074%); highest among the groups gnomAD compares: Non-Finnish European, 0.001%; no homozygotes.

Submissions (3):

Labcorp Genetics (formerly Invitae), Labcorp
Classification: Likely benign for Oligodontia-cancer predisposition syndrome. Last evaluated: 2025-08-04. Review status: criteria provided, single submitter. Criteria: Invitae Variant Classification Sherloc (09022015). Collection method: clinical testing. Allele origin: germline.

Myriad Genetics, Inc.
Classification: Benign for Oligodontia-cancer predisposition syndrome. Last evaluated: 2024-07-05. Review status: criteria provided, single submitter. Criteria: Myriad Autosomal Dominant, Autosomal Recessive and X-Linked Classification Criteria (2023). Collection method: clinical testing. Allele origin: unknown.
Comment: This variant is considered benign. This variant is a silent/synonymous amino acid change and it is not expected to impact splicing.

Ambry Genetics
Classification: Likely benign for Hereditary cancer-predisposing syndrome. Last evaluated: 2019-06-02. Review status: criteria provided, single submitter. Criteria: Ambry Variant Classification Scheme 2023. Collection method: clinical testing. Allele origin: germline.